The following is an entry in ClinVar:

NM_001270508.2(TNFAIP3):c.1727dup (p.His577fs)

Gene: TNFAIP3 (TNF alpha induced protein 3; plus strand). Cytogenetic location: 6q23.3.
Variant type: Duplication.
Coding change: c.1727dup on transcript NM_001270508.2 (MANE Select); coding-DNA position 1727, one base duplicated (C; older notation c.1727dupC).
Protein change: p.His577fs; shifts the reading frame from histidine 577.
Molecular consequence: frameshift variant.
Genome position (GRCh38, 1-based): chr6:137,879,172, C duplicated; the last of 4 consecutive C bases (chr6:137,879,169-137,879,172); duplicating any one gives the same sequence. VCF-style (leftmost placement, unchanged base first): chr6-137879168-T-TC. GRCh37 (hg19) VCF-style: chr6-138200305-T-TC.
Other names: A20; c.1727dup, p.His577fs (NM_001270507.2, NM_006290.4); short protein forms H577fs.
Identifiers: ClinVar variation 1319978 (VCV001319978.4), dbSNP rs2114504458, ClinGen allele CA2573052607.

ClinVar aggregate classification (germline): Pathogenic (1 of 4 stars; one submission).

Conditions:
Autoinflammatory syndrome, familial, Behcet-like. Identifiers: MedGen CN234876, MONDO:0031384.

Submission:

Laboratory of Medical Genetics Unit, Bambino Gesù Children's Hospital
Classification: Pathogenic for Autoinflammatory syndrome, familial, Behcet-like 1. Last evaluated: 2021-09-15. Review status: criteria provided, single submitter. Criteria: ACMG Guidelines, 2015. Collection method: case-control. Allele origin: germline. Inheritance: Autosomal dominant inheritance. Affected: yes. Observed: 4 variant alleles, 4 heterozygotes.
Comment: The p.His577Alafs*95 variant in TNFAIP3 gene has been identified in four consanguineous patients with a predominantly autoimmune phenotype, including thyroiditis and chronic arthritis, episodes of fevers, oral ulcers and growth retardation, and was absent from large population studies. Additionally, functional analyses showed a decreased level of A20 in patients’ whole blood cells (Rossi, submitted). In summary, the p.His577Alafs*95 variant meets our criteria to be classified as pathogenic based upon functional evidence and absence from controls.